The following is an entry in ClinVar:

NM_020877.5(DNAH2):c.11456C>T (p.Pro3819Leu)

Gene: DNAH2 (dynein axonemal heavy chain 2; plus strand). Cytogenetic location: 17p13.1.
Variant type: single nucleotide variant.
Coding change: c.11456C>T on transcript NM_020877.5 (MANE Select); coding-DNA position 11456, C replaced by T.
Protein change: p.Pro3819Leu; replaces proline 3819 with leucine.
Molecular consequence: missense variant.
Genome position (GRCh38, 1-based): chr17:7,823,960, C>T. VCF-style: chr17-7823960-C-T. GRCh37 (hg19) VCF-style: chr17-7727278-C-T.
Other names: short protein forms P3819L.
Identifiers: ClinVar variation 3272763 (VCV003272763.15).

ClinVar aggregate classification (germline): Uncertain significance. Review status: criteria provided, multiple submitters, no conflicts (2 of 4 stars). 2 submissions from 2 submitters: Uncertain significance (2). Last evaluated 2024-11-01.

Conditions:
Inborn genetic diseases. Identifiers: MedGen C0950123, MeSH D030342.

Submissions (2):

CeGaT Center for Human Genetics Tuebingen
Classification: Uncertain significance. Last evaluated: 2024-11-01. Review status: criteria provided, single submitter. Criteria: CeGaT Center For Human Genetics Tuebingen Variant Classification Criteria Version 2. Collection method: clinical testing. Allele origin: germline. Affected: yes. Observed: 1 variant allele.
Comment: DNAH2: PM2

Ambry Genetics
Classification: Uncertain significance for Inborn genetic diseases. Last evaluated: 2024-03-18. Review status: criteria provided, single submitter. Criteria: Ambry Variant Classification Scheme 2023. Collection method: clinical testing. Allele origin: germline.